The following is an entry in ClinVar:

NM_001358921.2(COQ2):c.723T>C (p.Val241=)

Gene: COQ2 (coenzyme Q2, polyprenyltransferase; minus strand). Cytogenetic location: 4q21.23.
Variant type: single nucleotide variant.
Coding change: c.723T>C on transcript NM_001358921.2 (MANE Select); coding-DNA position 723, T replaced by C.
Protein change: p.Val241=; no amino-acid change (valine 241 retained).
Molecular consequence: synonymous variant.
Genome position (GRCh38, 1-based): chr4:83,269,899, A>G on the plus strand (T>C on the coding strand, the complement: COQ2 is on the minus strand). VCF-style: chr4-83269899-A-G. GRCh37 (hg19) VCF-style: chr4-84191052-A-G.
Other names: c.873T>C, p.Val291= (NM_015697.9).
Identifiers: ClinVar variation 1626575 (VCV001626575.11), dbSNP rs773212782, ClinGen allele CA2988519.

ClinVar aggregate classification (germline): Likely benign. Review status: criteria provided, multiple submitters, no conflicts (2 of 4 stars). 3 submissions from 3 submitters: Likely benign (3). Last evaluated 2026-05-01.

Allele frequency attached by ClinVar (database versions not stated): TOPMed 0.00001; gnomAD exomes 0.00002 and 0.00006; ExAC 0.00004.
gnomAD v4.1: 14 of 1,611,698 alleles (0.00087%); highest among the groups gnomAD compares: Admixed American, 0.023%; no homozygotes.

Submissions (3):

CeGaT Center for Human Genetics Tuebingen
Classification: Likely benign. Last evaluated: 2026-05-01. Review status: criteria provided, single submitter. Criteria: CeGaT Center For Human Genetics Tuebingen Variant Classification Criteria Version 2. Collection method: clinical testing. Allele origin: germline. Affected: yes. Observed: 1 variant allele.
Comment: COQ2: BP4, BP7

Labcorp Genetics (formerly Invitae), Labcorp
Classification: Likely benign. Last evaluated: 2024-09-16. Review status: criteria provided, single submitter. Criteria: Invitae Variant Classification Sherloc (09022015). Collection method: clinical testing. Allele origin: germline.

Blueprint Genetics
Classification: Likely benign. Last evaluated: 2022-07-29. Review status: criteria provided, single submitter. Criteria: ACMG Guidelines, 2015. Collection method: clinical testing. Allele origin: germline.